The following is an entry in ClinVar:

ClinVar aggregate classification (germline): Likely benign. Review status: criteria provided, multiple submitters, no conflicts (2 of 4 stars). 3 submissions from 3 submitters: Likely benign (3). Last evaluated 2025-11-21.

Conditions:
Ellis-van Creveld syndrome (EVC). Also called: Chondroectodermal dysplasia; MESOECTODERMAL DYSPLASIA. Identifiers: Orphanet 289, MedGen C0013903, MONDO:0009162, OMIM 225500.
Curry-Hall syndrome (WAD). Also called: WEYERS ACRODENTAL DYSOSTOSIS. Identifiers: Orphanet 952, MedGen C0457013, MONDO:0008673, OMIM 193530.

Allele frequency attached by ClinVar (database versions not stated): TOPMed 0.00010; 1000 Genomes Project 0.00020; 1000 Genomes Project 30x 0.00047.
gnomAD v4.1: 461 of 1,614,122 alleles (0.029%); highest among the groups gnomAD compares: Admixed American, 0.065%; 1 homozygote.

Submissions (3):

Labcorp Genetics (formerly Invitae), Labcorp
Classification: Likely benign for Curry-Hall syndrome; Ellis-van Creveld syndrome. Last evaluated: 2025-11-21. Review status: criteria provided, single submitter. Criteria: Invitae Variant Classification Sherloc (09022015). Collection method: clinical testing. Allele origin: germline.

Blueprint Genetics
Classification: Likely benign. Last evaluated: 2024-10-23. Review status: criteria provided, single submitter. Criteria: ACMG Guidelines, 2015. Collection method: clinical testing. Allele origin: germline.

GeneDx
Classification: Likely benign. Last evaluated: 2018-02-21. Review status: criteria provided, single submitter. Criteria: GeneDx Variant Classification (06012015). Collection method: clinical testing. Allele origin: germline. Affected: yes.
Comment: This variant is considered likely benign or benign based on one or more of the following criteria: it is a conservative change, it occurs at a poorly conserved position in the protein, it is predicted to be benign by multiple in silico algorithms, and/or has population frequency not consistent with disease.

NM_153717.3(EVC):c.1041G>T (p.Thr347=)

Gene: EVC (EvC ciliary complex subunit 1; plus strand). Cytogenetic location: 4p16.2.
Variant type: single nucleotide variant.
Coding change: c.1041G>T on transcript NM_153717.3 (MANE Select); coding-DNA position 1041, G replaced by T.
Protein change: p.Thr347=; no amino-acid change (threonine 347 retained).
Molecular consequence: synonymous variant.
Genome position (GRCh38, 1-based): chr4:5,748,249, G>T. VCF-style: chr4-5748249-G-T. GRCh37 (hg19) VCF-style: chr4-5749976-G-T.
Other names: c.1041G>T, p.Thr347= (NM_001306090.2, NM_001306092.2).
Identifiers: ClinVar variation 516559 (VCV000516559.14), dbSNP rs148418233, ClinGen allele CA2835966.